The following is an entry in ClinVar:

NM_018122.5(DARS2):c.535C>T (p.Arg179Cys)

Gene: DARS2 (aspartyl-tRNA synthetase 2, mitochondrial; plus strand). Cytogenetic location: 1q25.1.
Variant type: single nucleotide variant.
Coding change: c.535C>T on transcript NM_018122.5 (MANE Select); coding-DNA position 535, C replaced by T.
Protein change: p.Arg179Cys; replaces arginine 179 with cysteine.
Molecular consequence: missense variant.
Genome position (GRCh38, 1-based): chr1:173,833,418, C>T. VCF-style: chr1-173833418-C-T. GRCh37 (hg19) VCF-style: chr1-173802556-C-T.
Other names: NM_018122.5(DARS2):c.535C>T; p.Arg179Cys; c.535C>T, p.Arg179Cys (NM_001365212.1, NM_001365213.2); c.535C>T (NM_018122.4); short protein forms R179C.
Identifiers: ClinVar variation 2161271 (VCV002161271.7), dbSNP rs758486944, ClinGen allele CA1250161.
Genomic context (GRCh38, chr1:173,833,418, plus strand): 5'-ATCTTTCAATTTCTTTAGAAAACAGAGGCTCTTCGGTTGCAGTATCGCTACTTAGACTTG[C>T]GTAGTTTCCAAATGCAGTATAACCTGCGACTGAGGTCCCAGATGGTCATGAAAATGCGGG-3'
Protein context (NP_060592.2, residues 169-189): LRLQYRYLDL[Arg179Cys]SFQMQYNLRL

ClinVar aggregate classification (germline): Conflicting classifications of pathogenicity. Review status: criteria provided, conflicting classifications (1 of 4 stars). 4 submissions from 4 submitters: Pathogenic (1); Likely pathogenic (2); Uncertain significance (1). Last evaluated 2025-12-17.

Conditions:
DARS2-related disorder. Also called: DARS2-related condition.
Leukoencephalopathy with brain stem and spinal cord involvement-high lactate syndrome (LBSL). Also called: LEUKOENCEPHALOPATHY WITH BRAINSTEM AND SPINAL CORD INVOLVEMENT AND LACTATE ELEVATION, MILD; MITOCHONDRIAL ASPARTYL-tRNA SYNTHETASE DEFICIENCY; Leukoencephalopathy with Brainstem and Spinal Cord Involvement and Lactate Elevation. Identifiers: Orphanet 137898, MedGen C1970180, MONDO:0012622, OMIM 611105.

Allele frequency attached by ClinVar (database versions not stated): gnomAD 0.00001; gnomAD exomes 0.00002; TOPMed 0.00003; ExAC 0.00004.

Submissions (4):

PreventionGenetics, part of Exact Sciences
Classification: Likely pathogenic for DARS2-related condition. Last evaluated: 2025-12-17. Review status: criteria provided, single submitter. Criteria: ACMG Guidelines, 2015. Collection method: clinical testing. Allele origin: germline.
Comment: The DARS2 c.535C>T variant is predicted to result in the amino acid substitution p.Arg179Cys. This variant has been reported in the compound heterozygous state in two individuals with severe cerebral atrophy (Stellingwerff et al. 2021. PubMed ID: 33977142). An alternate nucleotide change affecting the same amino acid ( c.536G>A, p.Arg179His) has been reported along with a second truncating variant in individuals with leukoencephalopathy with brainstem and spinal cord involvement and lactate elevation (LBSL) (Scheper et al. 2007. PubMed ID: 17384640; Stellingwerff et al. 2021. PubMed ID: 33977142). Functional studies support the pathogenicity of this variant (Figure 4, Stellingwerff et al. 2021. PubMed ID: 33977142). This variant is reported in 0.043% of alleles in individuals of Latino descent in gnomAD. Taken together, this variant is interpreted as likely pathogenic.

Labcorp Genetics (formerly Invitae), Labcorp
Classification: Pathogenic. Last evaluated: 2025-03-12. Review status: criteria provided, single submitter. Criteria: Invitae Variant Classification Sherloc (09022015). Collection method: clinical testing. Allele origin: germline.
Comment: This sequence change replaces arginine, which is basic and polar, with cysteine, which is neutral and slightly polar, at codon 179 of the DARS2 protein (p.Arg179Cys). This variant is present in population databases (rs758486944, gnomAD 0.04%). This missense change has been observed in individual(s) with leukoencephalopathy (PMID: 33977142). In at least one individual the data is consistent with being in trans (on the opposite chromosome) from a pathogenic variant. It has also been observed to segregate with disease in related individuals. ClinVar contains an entry for this variant (Variation ID: 2161271). Invitae Evidence Modeling of protein sequence and biophysical properties (such as structural, functional, and spatial information, amino acid conservation, physicochemical variation, residue mobility, and thermodynamic stability) indicates that this missense variant is expected to disrupt DARS2 protein function with a positive predictive value of 80%. Experimental studies have shown that this missense change affects DARS2 function (PMID: 33977142). This variant disrupts the p.Arg179 amino acid residue in DARS2. Other variant(s) that disrupt this residue have been observed in individuals with DARS2-related conditions (PMID: 17384640, 32571458), which suggests that this may be a clinically significant amino acid residue. For these reasons, this variant has been classified as Pathogenic.

Broad Center for Mendelian Genomics, Broad Institute of MIT and Harvard
Classification: Uncertain significance for Leukoencephalopathy with brain stem and spinal cord involvement-high lactate syndrome. Last evaluated: 2025-01-21. Review status: criteria provided, single submitter. Criteria: ACMG Guidelines, 2015. Collection method: curation. Allele origin: germline. Inheritance: Autosomal recessive inheritance.
Comment: The p.Arg179Cys variant in DARS2 has been reported, in the compound heterozygous state, in 2 siblings with leukoencephalopathy with brain stem and spinal cord involvement-high lactate syndrome (PMID: 33977142), and has been identified in 0.03% (15/59998) of Latino/Admixed American chromosomes by the Genome Aggregation Database (gnomAD; dbSNP rs758486944). Although this variant has been seen in the general population in a heterozygous state, its frequency is not high enough to rule out a pathogenic role. This variant has also been reported in ClinVar (Variation ID: 2161271) and has been interpreted as pathogenic by Invitae. In vitro functional studies provide some evidence that the p.Arg179Cys variant may slightly impact protein function (PMID: 33977142). However, these types of assays may not accurately represent biological function. Computational prediction tools and conservation analyses suggest that this variant may impact the protein, though this information is not predictive enough to determine pathogenicity. One additional likely pathogenic variant, resulting in a different amino acid change at the same position, p.Arg179His, has been reported in association with disease in ClinVar, slightly supporting that a change at this position may not be tolerated (Variation ID: 1064). In summary, while there is some suspicion for a pathogenic role, the clinical significance of this variant is uncertain. ACMG/AMP Criteria applied: PP3_moderate, PM5_supporting, PS3_supporting (Richards 2015).

Blueprint Genetics
Classification: Likely pathogenic for DARS2-related disorders. Last evaluated: 2023-03-29. Review status: criteria provided, single submitter. Criteria: ACMG Guidelines, 2015. Collection method: clinical testing. Allele origin: germline. Affected: yes. Observed: 5 variant alleles.

Literature cited by the submitters: PubMed 33977142 (cited by Labcorp Genetics (formerly Invitae), Labcorp); PubMed 17384640 (cited by Labcorp Genetics (formerly Invitae), Labcorp); PubMed 32571458 (cited by Labcorp Genetics (formerly Invitae), Labcorp).